The following is an entry in ClinVar:

ClinVar aggregate classification (germline): Likely pathogenic (1 of 4 stars; one submission).

Conditions:
Emery-Dreifuss muscular dystrophy 4, autosomal dominant (EDMD4). Also called: EMERY-DREIFUSS MUSCULAR DYSTROPHY 4 WITH VARIABLE FEATURES. Identifiers: Orphanet 261, MedGen C2751807, MONDO:0013071, OMIM 612998.
Autosomal recessive ataxia, Beauce type. Also called: Spinocerebellar ataxia, autosomal recessive 8; ATAXIA, RECESSIVE, OF BEAUCE; SYNE1-Related Autosomal Recessive Cerebellar Ataxia; SYNE1 Deficiency. Identifiers: Orphanet 88644, MedGen C1853116, MONDO:0012549, OMIM 610743.

gnomAD v4.1: 1 of 1,613,994 alleles (0.000062%); highest among the groups gnomAD compares: South Asian, 0.0011%; no homozygotes.

Submission:

Labcorp Genetics (formerly Invitae), Labcorp
Classification: Likely pathogenic for Emery-Dreifuss muscular dystrophy 4, autosomal dominant; Autosomal recessive ataxia, Beauce type. Last evaluated: 2024-08-31. Review status: criteria provided, single submitter. Criteria: Invitae Variant Classification Sherloc (09022015). Collection method: clinical testing. Allele origin: germline.
Comment: This sequence change affects a donor splice site in intron 56 of the SYNE1 gene. It is expected to disrupt RNA splicing. Variants that disrupt the donor or acceptor splice site typically lead to a loss of protein function (PMID: 16199547), and loss-of-function variants in SYNE1 are known to be pathogenic (PMID: 19542096, 24319099, 27086870). This variant is not present in population databases (gnomAD no frequency). This variant has not been reported in the literature in individuals affected with SYNE1-related conditions. Algorithms developed to predict the effect of sequence changes on RNA splicing suggest that this variant may disrupt the consensus splice site. In summary, the currently available evidence indicates that the variant is pathogenic, but additional data are needed to prove that conclusively. Therefore, this variant has been classified as Likely Pathogenic.

Literature cited by the submitters: PubMed 16199547; PubMed 19542096; PubMed 24319099; PubMed 27086870.

NM_182961.4(SYNE1):c.9009+1G>A

Genes: SYNE1-AS1 (SYNE1 antisense RNA 1; plus strand), SYNE1 (spectrin repeat containing nuclear envelope protein 1; minus strand). Cytogenetic location: 6q25.2.
Variant type: single nucleotide variant.
Coding change: c.9009+1G>A on transcript NM_182961.4 (MANE Select); the canonical splice donor site of the intron after coding-DNA position 9009, G replaced by A.
Molecular consequence: splice donor variant.
Genome position (GRCh38, 1-based): chr6:152,381,005, C>T on the plus strand (G>A on the coding strand, the complement: SYNE1 is on the minus strand). VCF-style: chr6-152381005-C-T. GRCh37 (hg19) VCF-style: chr6-152702140-C-T.
Other names: c.9030+1G>A (NM_033071.5).
Identifiers: ClinVar variation 3750909 (VCV003750909.2).